The following is an entry in ClinVar:

ClinVar aggregate classification (germline): Uncertain significance (1 of 4 stars; one submission).

Conditions:
Majeed syndrome (MJDS). Also called: CHRONIC RECURRENT MULTIFOCAL OSTEOMYELITIS 1, WITH CONGENITAL DYSERYTHROPOIETIC ANEMIA, WITH OR WITHOUT NEUTROPHILIC DERMATOSIS; LPIN2-Related Majeed Syndrome. Identifiers: Orphanet 77297, MedGen C1864997, MONDO:0012316, OMIM 609628.

gnomAD v4.1: 1 of 1,613,838 alleles (0.000062%); highest among the groups gnomAD compares: Non-Finnish European, 0.000085%; no homozygotes.

Submission:

Labcorp Genetics (formerly Invitae), Labcorp
Classification: Uncertain significance for Majeed syndrome. Last evaluated: 2018-11-13. Review status: criteria provided, single submitter. Criteria: Invitae Variant Classification Sherloc (09022015). Collection method: clinical testing. Allele origin: germline.
Comment: In summary, the available evidence is currently insufficient to determine the role of this variant in disease. Therefore, it has been classified as a Variant of Uncertain Significance. Algorithms developed to predict the effect of missense changes on protein structure and function (SIFT, PolyPhen-2, Align-GVGD) all suggest that this variant is likely to be disruptive, but these predictions have not been confirmed by published functional studies and their clinical significance is uncertain. This variant has not been reported in the literature in individuals with LPIN2-related disease. This variant is not present in population databases (ExAC no frequency). This sequence change replaces valine with leucine at codon 857 of the LPIN2 protein (p.Val857Leu). The valine residue is highly conserved and there is a small physicochemical difference between valine and leucine.

NM_001375808.2(LPIN2):c.2569G>T (p.Val857Leu)

Gene: LPIN2 (lipin 2; minus strand). Cytogenetic location: 18p11.31.
Variant type: single nucleotide variant.
Coding change: c.2569G>T on transcript NM_001375808.2 (MANE Select); coding-DNA position 2569, G replaced by T.
Protein change: p.Val857Leu; replaces valine 857 with leucine.
Molecular consequence: missense variant.
Genome position (GRCh38, 1-based): chr18:2,920,415, C>A on the plus strand (G>T on the coding strand, the complement: LPIN2 is on the minus strand). VCF-style: chr18-2920415-C-A. GRCh37 (hg19) VCF-style: chr18-2920413-C-A.
Other names: c.2569G>T, p.Val857Leu (NM_001375809.1, NM_014646.2); short protein forms V857L.
Identifiers: ClinVar variation 565661 (VCV000565661.10), dbSNP rs1346809433, ClinGen allele CA401693944.